The following is an entry in ClinVar:

NM_000141.5(FGFR2):c.1673-4A>G

Gene: FGFR2 (fibroblast growth factor receptor 2; minus strand). Cytogenetic location: 10q26.13.
Variant type: single nucleotide variant.
Coding change: c.1673-4A>G on transcript NM_000141.5 (MANE Select); 4 bases into the intron before coding-DNA position 1673, A replaced by G.
Molecular consequence: intron variant.
Genome position (GRCh38, 1-based): chr10:121,496,726, T>C on the plus strand (A>G on the coding strand, the complement: FGFR2 is on the minus strand). VCF-style: chr10-121496726-T-C. GRCh37 (hg19) VCF-style: chr10-123256240-T-C.
Other names: c.1337-4A>G (NM_001144914.1); c.1322-4A>G (NM_001144918.2, NM_001441091.1); c.1328-4A>G (NM_001441090.1, NM_001144916.2); c.1400-4A>G (NM_001441089.1); c.1406-4A>G (NM_023029.3, NM_001144915.2); c.1403-4A>G (NM_001441088.1); c.1325-4A>G (NM_001144917.2); c.1667-4A>G (NM_001320658.2); and 4 more.
Identifiers: ClinVar variation 3713011 (VCV003713011.10).
Genomic context (GRCh38, chr10:121,496,726, plus strand): 5'-GGAGGTATTCTCGGAGGTTGCCTTTAGAGGCATACTCAACTATGACATAGAGAGGCCCTG[T>C]TGAGGAAGAAGAGAAGCTCCCTAAAGAGAGAATCCAGGGTCTCCCCTTGGGCAATTCAGC-3'

ClinVar aggregate classification (germline): Conflicting classifications of pathogenicity. Review status: criteria provided, conflicting classifications (1 of 4 stars). 2 submissions from 2 submitters: Uncertain significance (1); Likely benign (1). Last evaluated 2025-12-24.

Conditions:
FGFR2-related craniosynostosis. Identifiers: MedGen CN231480.

gnomAD v4.1: 8 of 1,611,628 alleles (0.0005%); highest among the groups gnomAD compares: African/African-American, 0.004%; no homozygotes.

Submissions (2):

Labcorp Genetics (formerly Invitae), Labcorp
Classification: Uncertain significance for FGFR2-related craniosynostosis. Last evaluated: 2025-12-24. Review status: criteria provided, single submitter. Criteria: Invitae Variant Classification Sherloc (09022015). Collection method: clinical testing. Allele origin: germline.
Comment: This sequence change falls in intron 12 of the FGFR2 gene. It does not directly change the encoded amino acid sequence of the FGFR2 protein. This variant is present in population databases (rs768112982, gnomAD 0.005%). This variant has not been reported in the literature in individuals affected with FGFR2-related conditions. ClinVar contains an entry for this variant (Variation ID: 3713011). Algorithms developed to predict the effect of sequence changes on RNA splicing suggest that this variant may disrupt the consensus splice site. In summary, the available evidence is currently insufficient to determine the role of this variant in disease. Therefore, it has been classified as a Variant of Uncertain Significance.

CeGaT Center for Human Genetics Tuebingen
Classification: Likely benign. Last evaluated: 2025-07-01. Review status: criteria provided, single submitter. Criteria: CeGaT Center For Human Genetics Tuebingen Variant Classification Criteria Version 2. Collection method: clinical testing. Allele origin: germline. Affected: yes. Observed: 1 variant allele.
Comment: FGFR2: PP3, BS2